The following is an entry in ClinVar:

NM_015335.5(MED13L):c.3484T>C (p.Cys1162Arg)

Gene: MED13L (mediator complex subunit 13L; minus strand). Cytogenetic location: 12q24.21.
Variant type: single nucleotide variant.
Coding change: c.3484T>C on transcript NM_015335.5 (MANE Select); coding-DNA position 3484, T replaced by C.
Protein change: p.Cys1162Arg; replaces cysteine 1162 with arginine.
Molecular consequence: missense variant.
Genome position (GRCh38, 1-based): chr12:115,991,470, A>G on the plus strand (T>C on the coding strand, the complement: MED13L is on the minus strand). VCF-style: chr12-115991470-A-G. GRCh37 (hg19) VCF-style: chr12-116429275-A-G.
Other names: short protein forms C1162R.
Identifiers: ClinVar variation 4796482 (VCV004796482.1).

ClinVar aggregate classification (germline): Likely pathogenic (1 of 4 stars; one submission).

Conditions:
Syndromic microphthalmia. Also called: Syndromic microphthalmia-anophthalmia-coloboma. Identifiers: Orphanet 202948, MedGen C5679782, MONDO:0016073.

Submission:

Genetics Department, University Hospital of Toulouse
Classification: Likely pathogenic for Syndromic microphthalmia. Last evaluated: 2025-10-05. Review status: criteria provided, single submitter. Criteria: ACMG Guidelines, 2015. Collection method: clinical testing. Allele origin: de novo. Affected: yes. Observed: 1 variant allele.
Comment: The NM_015335.5:c.3484T>C p.(Cys1162Arg) is a missense variant in MED13L. It is absent from Clinvar, the literature and gnomAD (v4.1). It was classified as LP (PM1, PM2, PP2, PP3).